The following is an entry in ClinVar:

NM_001377.3(DYNC2H1):c.10196T>A (p.Leu3399Ter)

Gene: DYNC2H1 (dynein cytoplasmic 2 heavy chain 1; plus strand). Cytogenetic location: 11q22.3.
Variant type: single nucleotide variant.
Coding change: c.10196T>A on transcript NM_001377.3 (MANE Select); coding-DNA position 10196, T replaced by A.
Protein change: p.Leu3399Ter; replaces leucine 3399 with a stop codon.
Molecular consequence: nonsense.
Genome position (GRCh38, 1-based): chr11:103,253,438, T>A. VCF-style: chr11-103253438-T-A. GRCh37 (hg19) VCF-style: chr11-103124167-T-A.
Other names: c.10217T>A, p.Leu3406Ter (NM_001080463.2); short protein forms L3399*, L3406*.
Identifiers: ClinVar variation 2761849 (VCV002761849.3), dbSNP rs2496626872, ClinGen allele CA382248416.

ClinVar aggregate classification (germline): Pathogenic (1 of 4 stars; one submission).

Conditions:
Jeune thoracic dystrophy. Also called: Jeune syndrome; Infantile thoracic dystrophy; Thoracic pelvic phalangeal dystrophy; Jeune's syndrome; Chondroectodermal dysplasia-like syndrome; Short-rib thoracic dysplasia. Identifiers: Orphanet 474, MedGen C0265275, MONDO:0018770.

Submission:

Labcorp Genetics (formerly Invitae), Labcorp
Classification: Pathogenic for Jeune thoracic dystrophy. Last evaluated: 2023-09-19. Review status: criteria provided, single submitter. Criteria: Invitae Variant Classification Sherloc (09022015). Collection method: clinical testing. Allele origin: germline.
Comment: For these reasons, this variant has been classified as Pathogenic. This variant has not been reported in the literature in individuals affected with DYNC2H1-related conditions. This sequence change creates a premature translational stop signal (p.Leu3406*) in the DYNC2H1 gene. It is expected to result in an absent or disrupted protein product. Loss-of-function variants in DYNC2H1 are known to be pathogenic (PMID: 23339108, 32753734, 33755199). This variant is not present in population databases (gnomAD no frequency).

Literature cited by the submitters: PubMed 23339108; PubMed 32753734; PubMed 33755199.